The following is an entry in ClinVar:

NM_002485.5(NBN):c.430A>T (p.Thr144Ser)

Gene: NBN (nibrin; minus strand). Cytogenetic location: 8q21.3.
Variant type: single nucleotide variant.
Coding change: c.430A>T on transcript NM_002485.5 (MANE Select); coding-DNA position 430, A replaced by T.
Protein change: p.Thr144Ser; replaces threonine 144 with serine.
Molecular consequence: missense variant.
Genome position (GRCh38, 1-based): chr8:89,980,784, T>A on the plus strand (A>T on the coding strand, the complement: NBN is on the minus strand). VCF-style: chr8-89980784-T-A. GRCh37 (hg19) VCF-style: chr8-90993012-T-A.
Other names: c.184A>T, p.Thr62Ser (NM_001024688.3); short protein forms T144S, T62S.
Identifiers: ClinVar variation 3721223 (VCV003721223.3).

ClinVar aggregate classification (germline): Uncertain significance. Review status: criteria provided, multiple submitters, no conflicts (2 of 4 stars). 2 submissions from 2 submitters: Uncertain significance (2). Last evaluated 2025-03-01.

Conditions:
Hereditary cancer-predisposing syndrome. Also called: Neoplastic Syndromes, Hereditary; Hereditary Cancer Syndrome; Hereditary neoplastic syndrome; Tumor predisposition. Identifiers: Orphanet 140162, MedGen C0027672, MeSH D009386, MONDO:0015356.
Microcephaly, normal intelligence and immunodeficiency (NBS). Also called: SEEMANOVA SYNDROME II; IMMUNODEFICIENCY, MICROCEPHALY, AND CHROMOSOMAL INSTABILITY; Immunodeficiency, microcephaly with normal intelligence; Nijmegen breakage syndrome; Microcephaly with normal intelligence immunodeficiency and lymphoreticular malignancies; Nonsyndromal microcephaly autosomal recessive with normal intelligence. Identifiers: Orphanet 647, MedGen C0398791, MONDO:0009623, OMIM 251260.

Submissions (2):

Ambry Genetics
Classification: Uncertain significance for Hereditary cancer-predisposing syndrome. Last evaluated: 2025-03-01. Review status: criteria provided, single submitter. Criteria: Ambry Variant Classification Scheme 2023. Collection method: clinical testing. Allele origin: germline.

Labcorp Genetics (formerly Invitae), Labcorp
Classification: Uncertain significance for Microcephaly, normal intelligence and immunodeficiency. Last evaluated: 2024-09-21. Review status: criteria provided, single submitter. Criteria: Invitae Variant Classification Sherloc (09022015). Collection method: clinical testing. Allele origin: germline.
Comment: This sequence change replaces threonine, which is neutral and polar, with serine, which is neutral and polar, at codon 144 of the NBN protein (p.Thr144Ser). This variant is not present in population databases (gnomAD no frequency). This variant has not been reported in the literature in individuals affected with NBN-related conditions. An algorithm developed to predict the effect of missense changes on protein structure and function (PolyPhen-2) suggests that this variant is likely to be tolerated. In summary, the available evidence is currently insufficient to determine the role of this variant in disease. Therefore, it has been classified as a Variant of Uncertain Significance.